The following is an entry in ClinVar:

NM_007286.6(SYNPO):c.2678G>A (p.Gly893Asp)

Gene: SYNPO (synaptopodin; plus strand). Cytogenetic location: 5q33.1.
Variant type: single nucleotide variant.
Coding change: c.2678G>A on transcript NM_007286.6 (MANE Select); coding-DNA position 2678, G replaced by A.
Protein change: p.Gly893Asp; replaces glycine 893 with aspartic acid.
Molecular consequence: missense variant.
Genome position (GRCh38, 1-based): chr5:150,657,053, G>A. VCF-style: chr5-150657053-G-A. GRCh37 (hg19) VCF-style: chr5-150036615-G-A.
Other names: short protein forms G893D.
Identifiers: ClinVar variation 2876784 (VCV002876784.3), dbSNP rs144893816, ClinGen allele CA3513653.

ClinVar aggregate classification (germline): Uncertain significance (1 of 4 stars; one submission).

Allele frequency attached by ClinVar (database versions not stated): gnomAD exomes below 0.00001; ExAC 0.00002; ESP Exome Variant Server 0.00008.
gnomAD v4.1: 5 of 1,596,084 alleles (0.00031%); highest among the groups gnomAD compares: African/African-American, 0.0013%; no homozygotes.

Submission:

Labcorp Genetics (formerly Invitae), Labcorp
Classification: Uncertain significance. Last evaluated: 2024-02-28. Review status: criteria provided, single submitter. Criteria: Invitae Variant Classification Sherloc (09022015). Collection method: clinical testing. Allele origin: germline.
Comment: This sequence change replaces glycine, which is neutral and non-polar, with aspartic acid, which is acidic and polar, at codon 893 of the SYNPO protein (p.Gly893Asp). The frequency data for this variant in the population databases is considered unreliable, as metrics indicate poor data quality at this position in the gnomAD database. This variant has not been reported in the literature in individuals affected with SYNPO-related conditions. An algorithm developed to predict the effect of missense changes on protein structure and function (PolyPhen-2) suggests that this variant is likely to be tolerated. In summary, the available evidence is currently insufficient to determine the role of this variant in disease. Therefore, it has been classified as a Variant of Uncertain Significance.